The following is an entry in ClinVar:

ClinVar aggregate classification (germline): Uncertain significance. Review status: criteria provided, multiple submitters, no conflicts (2 of 4 stars). 3 submissions from 3 submitters: Uncertain significance (2). 1 of the submissions does not count toward it. Last evaluated 2025-07-13.

Conditions:
Hereditary cancer-predisposing syndrome. Also called: Tumor predisposition; Hereditary Cancer Syndrome; Hereditary neoplastic syndrome; Neoplastic Syndromes, Hereditary. Identifiers: Orphanet 140162, MedGen C0027672, MeSH D009386, MONDO:0015356.
Ataxia-telangiectasia syndrome (AT). Also called: Ataxia-telangiectasia, complementation group D; AT, COMPLEMENTATION GROUP C; ATAXIA-TELANGIECTASIA, COMPLEMENTATION GROUP A; ATAXIA-TELANGIECTASIA, FRESNO VARIANT; Ataxia-telangiectasia, complementation group E; LOUIS-BAR SYNDROME. Identifiers: Orphanet 100, MedGen C0004135, MONDO:0008840, OMIM 208900.

Submissions (3):

Ambry Genetics
Classification: Uncertain significance for Hereditary cancer-predisposing syndrome. Last evaluated: 2025-07-13. Review status: criteria provided, single submitter. Criteria: Ambry Variant Classification Scheme 2023. Collection method: clinical testing. Allele origin: germline.
Comment: The p.M1967T variant (also known as c.5900T>C), located in coding exon 38 of the ATM gene, results from a T to C substitution at nucleotide position 5900. The methionine at codon 1967 is replaced by threonine, an amino acid with similar properties. This amino acid position is conserved. In addition, this alteration is predicted to be tolerated by in silico analysis. Based on the available evidence, the clinical significance of this variant remains unclear.

GeneDx
Classification: Uncertain significance. Last evaluated: 2022-05-24. Review status: criteria provided, single submitter. Criteria: GeneDx Variant Classification Process June 2021. Collection method: clinical testing. Allele origin: germline. Affected: yes.
Comment: Not observed at significant frequency in large population cohorts (gnomAD); In silico analysis supports that this missense variant does not alter protein structure/function; Has not been previously published as pathogenic or benign to our knowledge; This variant is associated with the following publications: (PMID: 23532176)

Natera, Inc.
Classification: Uncertain significance for Ataxia-telangiectasia. Last evaluated: 2025-02-17. Review status: no assertion criteria provided. Collection method: clinical testing. Allele origin: germline. Not counted in ClinVar's aggregate classification.

NM_000051.4(ATM):c.5900T>C (p.Met1967Thr)

Genes: ATM (ATM serine/threonine kinase; plus strand), C11orf65 (chromosome 11 open reading frame 65; minus strand). Cytogenetic location: 11q22.3.
Variant type: single nucleotide variant.
Coding change: c.5900T>C on transcript NM_000051.4 (MANE Select); coding-DNA position 5900, T replaced by C.
Protein change: p.Met1967Thr; replaces methionine 1967 with threonine.
Molecular consequence: missense variant. On other transcripts: intron variant (2).
Genome position (GRCh38, 1-based): chr11:108,310,297, T>C. VCF-style: chr11-108310297-T-C. GRCh37 (hg19) VCF-style: chr11-108181024-T-C.
Other names: c.5900T>C, p.Met1967Thr (NM_001351834.2); c.641-1226A>G (NM_001330368.2); c.*39-1226A>G (NM_001351110.2); short protein forms M1967T.
Identifiers: ClinVar variation 1800959 (VCV001800959.2), dbSNP rs2084039227, ClinGen allele CA382548569.
Genomic context (GRCh38, chr11:108,310,297, plus strand): 5'-CTTGTGCTGCTCACTTTACAGCTTTACTCTATGCAGAAATCTATGCAGATAAGAAAAGTA[T>C]GGATGATCAAGAGAAAAGGTAATGGAATTTAGAATTTTTGGTTTTTAAAATTAATGTTGG-3'
Protein context (NP_000042.3, residues 1957-1977): YAEIYADKKS[Met1967Thr]DDQEKRSLAF